The following is an entry in ClinVar:

NM_003922.4(HERC1):c.3715A>G (p.Ser1239Gly)

Gene: HERC1 (HECT and RLD domain containing E3 ubiquitin protein ligase family member 1; minus strand). Cytogenetic location: 15q22.31.
Variant type: single nucleotide variant.
Coding change: c.3715A>G on transcript NM_003922.4 (MANE Select); coding-DNA position 3715, A replaced by G.
Protein change: p.Ser1239Gly; replaces serine 1239 with glycine.
Molecular consequence: missense variant.
Genome position (GRCh38, 1-based): chr15:63,723,209, T>C on the plus strand (A>G on the coding strand, the complement: HERC1 is on the minus strand). VCF-style: chr15-63723209-T-C. GRCh37 (hg19) VCF-style: chr15-64015408-T-C.
Other names: short protein forms S1239G.
Identifiers: ClinVar variation 4773534 (VCV004773534.1).

ClinVar aggregate classification (germline): Uncertain significance (1 of 4 stars; one submission).

Submission:

Labcorp Genetics (formerly Invitae), Labcorp
Classification: Uncertain significance. Last evaluated: 2025-10-08. Review status: criteria provided, single submitter. Criteria: Invitae Variant Classification Sherloc (09022015). Collection method: clinical testing. Allele origin: germline.
Comment: This sequence change replaces serine, which is neutral and polar, with glycine, which is neutral and non-polar, at codon 1239 of the HERC1 protein (p.Ser1239Gly). This variant is not present in population databases (gnomAD no frequency). This variant has not been reported in the literature in individuals affected with HERC1-related conditions. Invitae Evidence Modeling of protein sequence and biophysical properties (such as structural, functional, and spatial information, amino acid conservation, physicochemical variation, residue mobility, and thermodynamic stability) indicates that this missense variant is not expected to disrupt HERC1 protein function with a negative predictive value of 80%. In summary, the available evidence is currently insufficient to determine the role of this variant in disease. Therefore, it has been classified as a Variant of Uncertain Significance.